The following is an entry in ClinVar:

ClinVar aggregate classification (germline): Pathogenic/Likely pathogenic. Review status: criteria provided, multiple submitters, no conflicts (2 of 4 stars). 6 submissions from 6 submitters: Pathogenic (3); Likely pathogenic (2). 1 of the submissions does not count toward it. Last evaluated 2026-01-18.

Conditions:
Sandhoff disease. Also called: Beta-hexosaminidase-beta-subunit deficiency; GM2 gangliosidosis, type 2; Total hexosaminidase deficiency; Sandhoff-Jatzkewitz-Pilz disease; GM2-GANGLIOSIDOSIS, TYPE II; HEXOSAMINIDASES A AND B DEFICIENCY. Identifiers: Orphanet 796, MedGen C0036161, MONDO:0010006, OMIM 268800.

Allele frequency attached by ClinVar (database versions not stated): gnomAD 0.00001; TOPMed 0.00001; gnomAD exomes 0.00002 and 0.00004; ExAC 0.00005; ESP Exome Variant Server 0.00008.
gnomAD v4.1: 53 of 1,611,290 alleles (0.0033%); highest among the groups gnomAD compares: Non-Finnish European, 0.0044%; no homozygotes.

Submissions (6):

Labcorp Genetics (formerly Invitae), Labcorp
Classification: Pathogenic for Sandhoff disease. Last evaluated: 2026-01-18. Review status: criteria provided, single submitter. Criteria: Invitae Variant Classification Sherloc (09022015). Collection method: clinical testing. Allele origin: germline.
Comment: This sequence change replaces tyrosine, which is neutral and polar, with aspartic acid, which is acidic and polar, at codon 266 of the HEXB protein (p.Tyr266Asp). This variant is present in population databases (rs373979283, gnomAD 0.005%). This missense change has been observed in individual(s) with Sandhoff disease (PMID: 17015493, 22789865, 23046579). In at least one individual the data is consistent with being in trans (on the opposite chromosome) from a pathogenic variant. ClinVar contains an entry for this variant (Variation ID: 381669). Invitae Evidence Modeling of protein sequence and biophysical properties (such as structural, functional, and spatial information, amino acid conservation, physicochemical variation, residue mobility, and thermodynamic stability) indicates that this missense variant is expected to disrupt HEXB protein function with a positive predictive value of 95%. For these reasons, this variant has been classified as Pathogenic.

3billion
Classification: Likely pathogenic for Sandhoff disease. Last evaluated: 2024-06-05. Review status: criteria provided, single submitter. Criteria: ACMG Guidelines, 2015. Collection method: clinical testing. Allele origin: germline. Affected: yes.
Comment: The variant is observed at an extremely low frequency in the gnomAD v4.0.0 dataset (total allele frequency: 0.003%). Predicted Consequence/Location: The majority of the known disease-causing variants of this gene are variants expected to result in premature termination of the protein. In silico tool predictions suggest damaging effect of the variant on gene or gene product [REVEL: 0.96 (>=0.6, sensitivity 0.68 and specificity 0.92); 3Cnet: 0.99 (>=0.6, sensitivity 0.72 and precision 0.9)]. The same nucleotide change resulting in the same amino acid change has been previously reported as pathogenic/likely pathogenic with strong evidence (ClinVar ID: VCV000381669 /PMID: 22789865).at the same codon (p.Tyr266Cys) has been reported to be associated with HEXB-related disorder (ClinVar ID: VCV000093204). Therefore, this variant is classified as Likely pathogenic according to the recommendation of ACMG/AMP guideline.

Fulgent Genetics
Classification: Pathogenic for Sandhoff disease. Last evaluated: 2021-12-14. Review status: criteria provided, single submitter. Criteria: ACMG Guidelines, 2015. Collection method: clinical testing. Allele origin: unknown.

Women's Health and Genetics/Laboratory Corporation of America, LabCorp
Classification: Pathogenic for Sandhoff disease. Last evaluated: 2021-11-28. Review status: criteria provided, single submitter. Criteria: LabCorp Variant Classification Summary - May 2015. Collection method: clinical testing. Allele origin: germline.
Comment: Variant summary: HEXB c.796T>G (p.Tyr266Asp) results in a non-conservative amino acid change located in the Glycoside hydrolase family 20, catalytic domain (IPR015883) of the encoded protein sequence. Five of five in-silico tools predict a damaging effect of the variant on protein function. The variant allele was found at a frequency of 2e-05 in 251446 control chromosomes. c.796T>G has been reported in the literature as homozygous and compound heterozygous genotypes in individuals affected with Sandhoff Disease (example, Gort_2012, Mugnaini_2017, Gaignard_2013). These data indicate that the variant is likely to be associated with disease. At least one publication reports experimental evidence evaluating an impact on protein function (Gort_2012). The most pronounced variant effect results in <10% of normal total Hexosaminidase activity in serum and fibroblasts of an affected individual with a homozygous genotype. Four clinical diagnostic laboratories have submitted clinical-significance assessments for this variant to ClinVar after 2014 without evidence for independent evaluation. All laboratories classified the variant as pathogenic/likely pathogenic. Based on the evidence outlined above, the variant was classified as pathogenic.

GeneDx
Classification: Likely pathogenic. Last evaluated: 2016-03-11. Review status: criteria provided, single submitter. Criteria: GeneDx Variant Classification (06012015). Collection method: clinical testing. Allele origin: germline. Affected: yes.
Comment: The Y266D variant in the HEXB gene has been reported previously in association with Sandoff disease when present in the homozygous state or when in trans with another pathogenic variant (Maegawa et al., 2006; Gort et al., 2012). The Y266D variant was not observed at any significant frequency in approximately 6,500 individuals of European and African American ancestry in the NHLBI Exome Sequencing Project, indicating it is not a common benign variant in these populations. The Y266D variant is a non-conservative amino acid substitution, which is likely to impact secondary protein structure as these residues differ in polarity, charge, size and/or other properties. This substitution occurs at a position that is conserved across species. In silico analysis predicts this variant is probably damaging to the protein structure/function. The Y266D variant is a strong candidate for a pathogenic variant, however the possibility it may be a rare benign variant cannot be excluded.

Counsyl
Classification: Likely pathogenic for Sandhoff disease. Last evaluated: 2017-08-31. Review status: no assertion criteria provided. Collection method: clinical testing. Allele origin: unknown. Not counted in ClinVar's aggregate classification.

Literature cited by the submitters: PubMed 17015493 (cited by Labcorp Genetics (formerly Invitae), Labcorp and Counsyl); PubMed 22789865 (cited by 4 submitters); PubMed 23046579 (cited by 3 submitters); PubMed 29448188 (cited by Women's Health and Genetics/Laboratory Corporation of America, LabCorp); PubMed 28895707 (cited by Women's Health and Genetics/Laboratory Corporation of America, LabCorp).

NM_000521.4(HEXB):c.796T>G (p.Tyr266Asp)

Gene: HEXB (hexosaminidase subunit beta; plus strand). Cytogenetic location: 5q13.3.
Variant type: single nucleotide variant.
Coding change: c.796T>G on transcript NM_000521.4 (MANE Select); coding-DNA position 796, T replaced by G.
Protein change: p.Tyr266Asp; replaces tyrosine 266 with aspartic acid.
Molecular consequence: missense variant.
Genome position (GRCh38, 1-based): chr5:74,713,530, T>G. VCF-style: chr5-74713530-T-G. GRCh37 (hg19) VCF-style: chr5-74009355-T-G.
Other names: c.121T>G, p.Tyr41Asp (NM_001292004.2); short protein forms Y266D, Y41D.
Identifiers: ClinVar variation 381669 (VCV000381669.16), dbSNP rs373979283, ClinGen allele CA3305949.